The following is an entry in ClinVar:

ClinVar aggregate classification (germline): Likely benign. Review status: criteria provided, multiple submitters, no conflicts (2 of 4 stars). 7 submissions from 4 submitters: Likely benign (7). Last evaluated 2026-01-24.

Conditions:
Malignant hyperthermia, susceptibility to, 5 (MHS5). Also called: CACNA1S-Related Malignant Hyperthermia Susceptibility. Identifiers: Orphanet 423, MedGen C1866077, MONDO:0011163, OMIM 601887.
Hypokalemic periodic paralysis, type 1. Also called: HypoPP; Hypokalemic Periodic Paralysis Type 1 (AD). Identifiers: Orphanet 681, MedGen C3714580, MONDO:0042979, OMIM 170400.
Congenital myopathy 18. Also called: DIHYDROPYRIDINE RECEPTOR CONGENITAL MYOPATHY; DHPR CONGENITAL MYOPATHY; Myopathy, congenital, due to dihydropyridine receptor defect. Identifiers: MedGen C5830283, MONDO:0859514, OMIM 620246.
Thyrotoxic periodic paralysis, susceptibility to, 1 (TTPP1). Identifiers: Orphanet 79102, MedGen C2749982, MONDO:0008570, OMIM 188580.

Allele frequency attached by ClinVar (database versions not stated): ESP Exome Variant Server 0.00008; TOPMed 0.00015; 1000 Genomes Project 30x 0.00016; gnomAD 0.00022.

Submissions (7):

Labcorp Genetics (formerly Invitae), Labcorp
Classification: Likely benign for Hypokalemic periodic paralysis, type 1; Malignant hyperthermia, susceptibility to, 5. Last evaluated: 2026-01-24. Review status: criteria provided, single submitter. Criteria: Invitae Variant Classification Sherloc (09022015). Collection method: clinical testing. Allele origin: germline.

Blueprint Genetics
Classification: Likely benign. Last evaluated: 2024-07-31. Review status: criteria provided, single submitter. Criteria: ACMG Guidelines, 2015. Collection method: clinical testing. Allele origin: germline.

Genome-Nilou Lab
Classification: Likely benign for Malignant hyperthermia, susceptibility to, 5. Last evaluated: 2023-04-11. Review status: criteria provided, single submitter. Criteria: ACMG Guidelines, 2015. Collection method: clinical testing. Allele origin: germline. Affected: no.

Genome-Nilou Lab
Classification: Likely benign for Thyrotoxic periodic paralysis, susceptibility to, 1. Last evaluated: 2023-04-11. Review status: criteria provided, single submitter. Criteria: ACMG Guidelines, 2015. Collection method: clinical testing. Allele origin: germline. Affected: no.

Genome-Nilou Lab
Classification: Likely benign for Congenital myopathy 18. Last evaluated: 2023-04-11. Review status: criteria provided, single submitter. Criteria: ACMG Guidelines, 2015. Collection method: clinical testing. Allele origin: germline. Affected: no.

Genome-Nilou Lab
Classification: Likely benign for Hypokalemic periodic paralysis, type 1. Last evaluated: 2023-04-11. Review status: criteria provided, single submitter. Criteria: ACMG Guidelines, 2015. Collection method: clinical testing. Allele origin: germline. Affected: no.

GeneDx
Classification: Likely benign. Last evaluated: 2016-11-14. Review status: criteria provided, single submitter. Criteria: GeneDx Variant Classification (06012015). Collection method: clinical testing. Allele origin: germline. Affected: yes.
Comment: This variant is considered likely benign or benign based on one or more of the following criteria: it is a conservative change, it occurs at a poorly conserved position in the protein, it is predicted to be benign by multiple in silico algorithms, and/or has population frequency not consistent with disease.

NM_000069.3(CACNA1S):c.2657+10G>A

Gene: CACNA1S (calcium voltage-gated channel subunit alpha1 S; minus strand). Cytogenetic location: 1q32.1.
Variant type: single nucleotide variant.
Coding change: c.2657+10G>A on transcript NM_000069.3 (MANE Select); 10 bases into the intron after coding-DNA position 2657, G replaced by A.
Molecular consequence: intron variant.
Genome position (GRCh38, 1-based): chr1:201,066,877, C>T on the plus strand (G>A on the coding strand, the complement: CACNA1S is on the minus strand). VCF-style: chr1-201066877-C-T. GRCh37 (hg19) VCF-style: chr1-201036005-C-T.
Identifiers: ClinVar variation 390518 (VCV000390518.14), dbSNP rs371339601, ClinGen allele CA079158.
Genomic context (GRCh38, chr1:201,066,877, plus strand): 5'-TCCCACTACAAAGCCCTGGCACAGAGCAGAGGGTGGTCTGTGCCCAGGGCTGGCCCTTGC[C>T]GCTGCTCACTCAAGTCCCATGGAGATGAGGGACACGGCCACCACCAGCAGGTCCAGCATG-3'